The following is an entry in ClinVar:

ClinVar aggregate classification (germline): Benign. Review status: criteria provided, multiple submitters, no conflicts (2 of 4 stars). 2 submissions from 2 submitters: Benign (2). Last evaluated 2018-06-14.

Allele frequency attached by ClinVar (database versions not stated): TOPMed 0.21315; gnomAD 0.21702 and 0.22622; 1000 Genomes Project 0.28355; 1000 Genomes Project 30x 0.27623.
gnomAD v4.1: 34,314 of 152,108 alleles (23%); highest among the groups gnomAD compares: East Asian, 49%; 4,239 homozygotes.

Submissions (2):

GeneDx
Classification: Benign. Last evaluated: 2018-06-14. Review status: criteria provided, single submitter. Criteria: GeneDx Variant Classification (06012015). Collection method: clinical testing. Allele origin: germline. Affected: yes.
Comment: This variant is considered likely benign or benign based on one or more of the following criteria: it is a conservative change, it occurs at a poorly conserved position in the protein, it is predicted to be benign by multiple in silico algorithms, and/or has population frequency not consistent with disease.

Breakthrough Genomics
Classification: Benign. Review status: criteria provided, single submitter. Criteria: ACMG Guidelines, 2015. Collection method: not provided. Allele origin: germline. Inheritance: Autosomal recessive inheritance. Affected: yes.

NM_213595.4(ISCU):c.340-188A>G

Gene: ISCU (iron-sulfur cluster assembly enzyme; plus strand). Cytogenetic location: 12q23.3.
Variant type: single nucleotide variant.
Coding change: c.340-188A>G on transcript NM_213595.4 (MANE Select); 188 bases into the intron before coding-DNA position 340, A replaced by G.
Molecular consequence: intron variant.
Genome position (GRCh38, 1-based): chr12:108,567,002, A>G. VCF-style: chr12-108567002-A-G. GRCh37 (hg19) VCF-style: chr12-108960778-A-G.
Other names: c.265-188A>G (NM_014301.4); c.340-188A>G (NM_001320042.1, NM_001301140.1, NM_001301141.1).
Identifiers: ClinVar variation 681975 (VCV000681975.2), dbSNP rs2075358, ClinGen allele CA15724402.